The following is an entry in ClinVar:

NM_001286611.2(REPS1):c.1927G>A (p.Asp643Asn)

Gene: REPS1 (RALBP1 associated Eps domain containing 1; minus strand). Cytogenetic location: 6q24.1.
Variant type: single nucleotide variant.
Coding change: c.1927G>A on transcript NM_001286611.2 (MANE Select); coding-DNA position 1927, G replaced by A.
Protein change: p.Asp643Asn; replaces aspartic acid 643 with asparagine.
Molecular consequence: missense variant.
Genome position (GRCh38, 1-based): chr6:138,912,809, C>T on the plus strand (G>A on the coding strand, the complement: REPS1 is on the minus strand). VCF-style: chr6-138912809-C-T. GRCh37 (hg19) VCF-style: chr6-139233946-C-T.
Other names: c.1846G>A, p.Asp616Asn (NM_001128617.3); c.1654G>A, p.Asp552Asn (NM_001286612.2); c.1924G>A, p.Asp642Asn (NM_031922.5); c.1924G>A (NM_031922.3); short protein forms D642N, D643N, D552N, D616N.
Identifiers: ClinVar variation 638402 (VCV000638402.12), dbSNP rs140387177, ClinGen allele CA4024014.
Genomic context (GRCh38, chr6:138,912,809, plus strand): 5'-GCCCTCGAAAACTGACCGGCAGGACTTCTGGATGTTTCTCGGCTTCATCATCTTGTTCGT[C>T]GTTTACATTTGATGCAGCAAATACTTCAAACTGACTGAAATCTGCAAAATTTGGTTGCTC-3'
Protein context (NP_001273540.1, residues 633-653): FEVFAASNVN[Asp643Asn]EQDDEAEKHP

ClinVar aggregate classification (germline): Conflicting classifications of pathogenicity. Review status: criteria provided, conflicting classifications (1 of 4 stars). 4 submissions from 4 submitters: Uncertain significance (2); Likely benign (2). Last evaluated 2026-01-21.

Conditions:
Neurodegeneration with brain iron accumulation 7. Identifiers: MedGen C4693583, MONDO:0054763, OMIM 617916.

Allele frequency attached by ClinVar (database versions not stated): 1000 Genomes Project 0.00040; 1000 Genomes Project 30x 0.00047; gnomAD 0.00063 and 0.00065; TOPMed 0.00071; ESP Exome Variant Server 0.00077; gnomAD exomes 0.00083 and 0.00091; ExAC 0.00102.
gnomAD v4.1: 1,395 of 1,614,090 alleles (0.086%); highest among the groups gnomAD compares: Middle Eastern, 2.1%; 13 homozygotes.

Submissions (4):

Labcorp Genetics (formerly Invitae), Labcorp
Classification: Uncertain significance. Last evaluated: 2026-01-21. Review status: criteria provided, single submitter. Criteria: Invitae Variant Classification Sherloc (09022015). Collection method: clinical testing. Allele origin: germline.
Comment: This sequence change replaces aspartic acid, which is acidic and polar, with asparagine, which is neutral and polar, at codon 643 of the REPS1 protein (p.Asp643Asn). This variant is present in population databases (rs140387177, gnomAD 0.2%), and has an allele count higher than expected for a pathogenic variant. This variant has not been reported in the literature in individuals affected with REPS1-related conditions. ClinVar contains an entry for this variant (Variation ID: 638402). Invitae Evidence Modeling of protein sequence and biophysical properties (such as structural, functional, and spatial information, amino acid conservation, physicochemical variation, residue mobility, and thermodynamic stability) indicates that this missense variant is not expected to disrupt REPS1 protein function with a negative predictive value of 80%. In summary, the available evidence is currently insufficient to determine the role of this variant in disease. Therefore, it has been classified as a Variant of Uncertain Significance.

Blueprint Genetics
Classification: Likely benign. Last evaluated: 2024-11-25. Review status: criteria provided, single submitter. Criteria: ACMG Guidelines, 2015. Collection method: clinical testing. Allele origin: germline.

Ambry Genetics
Classification: Uncertain significance. Last evaluated: 2021-07-13. Review status: criteria provided, single submitter. Criteria: Ambry Variant Classification Scheme 2023. Collection method: clinical testing. Allele origin: germline.

Genomic Research Center, Shahid Beheshti University of Medical Sciences
Classification: Likely benign for Neurodegeneration with brain iron accumulation 7. Last evaluated: 2020-05-03. Review status: criteria provided, single submitter. Criteria: ACMG Guidelines, 2015. Collection method: clinical testing. Allele origin: unknown. Affected: yes.